The following is an entry in ClinVar:

NM_198252.3(GSN):c.1252T>C (p.Tyr418His)

Gene: GSN (gelsolin; plus strand). Cytogenetic location: 9q33.2.
Variant type: single nucleotide variant.
Coding change: c.1252T>C on transcript NM_198252.3 (MANE Select); coding-DNA position 1252, T replaced by C.
Protein change: p.Tyr418His; replaces tyrosine 418 with histidine.
Molecular consequence: missense variant.
Genome position (GRCh38, 1-based): chr9:121,321,328, T>C. VCF-style: chr9-121321328-T-C. GRCh37 (hg19) VCF-style: chr9-124083606-T-C.
Other names: c.1285T>C, p.Tyr429His (NM_001353070.2, NM_001353071.2, NM_001353072.2 and 13 more transcripts); c.1324T>C, p.Tyr442His (NM_001353076.2); c.598T>C, p.Tyr200His (NM_001353078.2); c.1405T>C, p.Tyr469His (NM_000177.5); c.1252T>C, p.Tyr418His (NM_001127662.2, NM_001127664.2, NM_001127665.2 and 10 more transcripts); c.1360T>C, p.Tyr454His (NM_001127663.2); c.1303T>C, p.Tyr435His (NM_001258029.2); c.1276T>C, p.Tyr426His (NM_001258030.2); short protein forms Y435H, Y454H, Y426H, Y418H, Y442H, Y200H, Y429H, Y469H.
Identifiers: ClinVar variation 1771894 (VCV001771894.2), dbSNP rs2541040902, ClinGen allele CA374749778.

ClinVar aggregate classification (germline): Uncertain significance (1 of 4 stars; one submission).

Conditions:
Inborn genetic diseases. Identifiers: MedGen C0950123, MeSH D030342.

Allele frequency attached by ClinVar (database versions not stated): gnomAD exomes below 0.00001.
gnomAD v4.1: 5 of 1,613,848 alleles (0.00031%); highest among the groups gnomAD compares: Non-Finnish European, 0.00042%; no homozygotes.

Submission:

Ambry Genetics
Classification: Uncertain significance for Inborn genetic diseases. Last evaluated: 2020-08-11. Review status: criteria provided, single submitter. Criteria: Ambry Variant Classification Scheme 2023. Collection method: clinical testing. Allele origin: germline.
Comment: The p.Y469H variant (also known as c.1405T>C), located in coding exon 10 of the GSN gene, results from a T to C substitution at nucleotide position 1405. The tyrosine at codon 469 is replaced by histidine, an amino acid with similar properties. This amino acid position is highly conserved in available vertebrate species. In addition, the in silico prediction for this alteration is inconclusive. Since supporting evidence is limited at this time, the clinical significance of this alteration remains unclear.